The following is an entry in ClinVar:

NM_001999.4(FBN2):c.811A>G (p.Thr271Ala)

Gene: FBN2 (fibrillin 2; minus strand). Cytogenetic location: 5q23.3.
Variant type: single nucleotide variant.
Coding change: c.811A>G on transcript NM_001999.4 (MANE Select); coding-DNA position 811, A replaced by G.
Protein change: p.Thr271Ala; replaces threonine 271 with alanine.
Molecular consequence: missense variant.
Genome position (GRCh38, 1-based): chr5:128,464,739, T>C on the plus strand (A>G on the coding strand, the complement: FBN2 is on the minus strand). VCF-style: chr5-128464739-T-C. GRCh37 (hg19) VCF-style: chr5-127800432-T-C.
Other names: short protein forms T271A.
Identifiers: ClinVar variation 1310829 (VCV001310829.2), dbSNP rs201988564, ClinGen allele CA360754679.
Genomic context (GRCh38, chr5:128,464,739, plus strand): 5'-AGTGGCAGGTCTGCGATGGTGTGCACAGGCAGACAGCTGACTCACCTTGGCAAGCTCCAG[T>C]GCGGATGTTGGGGATGAAACCCCGTCGGCAGGGCTGAGGCTGGGCTGGACACATCTCACA-3'
Protein context (NP_001990.2, residues 261-281): CRRGFIPNIR[Thr271Ala]GACQDVDECQ

ClinVar aggregate classification (germline): Uncertain significance (1 of 4 stars; one submission).

Submission:

GeneDx
Classification: Uncertain significance. Last evaluated: 2019-11-29. Review status: criteria provided, single submitter. Criteria: GeneDx Variant Classification Process June 2021. Collection method: clinical testing. Allele origin: germline. Affected: yes.
Comment: Has not been previously published as pathogenic or benign to our knowledge; Not observed in large population cohorts (Lek et al., 2016); In silico analysis, which includes protein predictors and evolutionary conservation, supports a deleterious effect; Does not affect a cysteine residue within a calcium-binding EGF-like domain of the FBN2 gene; cysteine substitutions in the calcium-binding EGF-like domains represent the majority of pathogenic missense changes associated with FBN2-related disorders (Collod-Beroud et al., 2003; Frederic et al., 2009).